The following is an entry in ClinVar:

NM_015512.5(DNAH1):c.11863A>G (p.Ile3955Val)

Gene: DNAH1 (dynein axonemal heavy chain 1; plus strand). Cytogenetic location: 3p21.1.
Variant type: single nucleotide variant.
Coding change: c.11863A>G on transcript NM_015512.5 (MANE Select); coding-DNA position 11863, A replaced by G.
Protein change: p.Ile3955Val; replaces isoleucine 3955 with valine.
Molecular consequence: missense variant.
Genome position (GRCh38, 1-based): chr3:52,397,782, A>G. VCF-style: chr3-52397782-A-G. GRCh37 (hg19) VCF-style: chr3-52431798-A-G.
Other names: short protein forms I3955V.
Identifiers: ClinVar variation 1381757 (VCV001381757.6), dbSNP rs2153225833, ClinGen allele CA353082019.

ClinVar aggregate classification (germline): Uncertain significance (1 of 4 stars; one submission).

Conditions:
Spermatogenic failure 18. Identifiers: MedGen C4539783, MONDO:0054615, OMIM 617576.
Ciliary dyskinesia, primary, 37 (CILD37). Also called: CILIARY DYSKINESIA, PRIMARY, 37, WITH OR WITHOUT SITUS INVERSUS. Identifiers: MedGen C4539798, MONDO:0033204, OMIM 617577.

gnomAD v4.1: 1 of 1,613,840 alleles (0.000062%); highest among the groups gnomAD compares: Non-Finnish European, 0.000085%; no homozygotes.

Submission:

Labcorp Genetics (formerly Invitae), Labcorp
Classification: Uncertain significance for Ciliary dyskinesia, primary, 37; Spermatogenic failure 18. Last evaluated: 2024-10-25. Review status: criteria provided, single submitter. Criteria: Invitae Variant Classification Sherloc (09022015). Collection method: clinical testing. Allele origin: germline.
Comment: This sequence change replaces isoleucine, which is neutral and non-polar, with valine, which is neutral and non-polar, at codon 3955 of the DNAH1 protein (p.Ile3955Val). This variant is not present in population databases (gnomAD no frequency). This variant has not been reported in the literature in individuals affected with DNAH1-related conditions. ClinVar contains an entry for this variant (Variation ID: 1381757). Invitae Evidence Modeling of protein sequence and biophysical properties (such as structural, functional, and spatial information, amino acid conservation, physicochemical variation, residue mobility, and thermodynamic stability) indicates that this missense variant is expected to disrupt DNAH1 protein function with a positive predictive value of 80%. In summary, the available evidence is currently insufficient to determine the role of this variant in disease. Therefore, it has been classified as a Variant of Uncertain Significance.